The following is an entry in ClinVar:

ClinVar aggregate classification (germline): Uncertain significance (1 of 4 stars; one submission).

Conditions:
Early-infantile DEE. Also called: Ohtahara syndrome; Early infantile epileptic encephalopathy; Early infantile epileptic encephalopathy with suppression bursts. Identifiers: Orphanet 1934, MedGen C0393706, MONDO:0800491.

Allele frequency attached by ClinVar (database versions not stated): gnomAD exomes below 0.00001; TOPMed below 0.00001.
gnomAD v4.1: 1 of 1,610,966 alleles (0.000062%); highest among the groups gnomAD compares: African/African-American, 0.0013%; no homozygotes.

Submission:

Labcorp Genetics (formerly Invitae), Labcorp
Classification: Uncertain significance for Early-infantile DEE. Last evaluated: 2023-09-25. Review status: criteria provided, single submitter. Criteria: Invitae Variant Classification Sherloc (09022015). Collection method: clinical testing. Allele origin: germline.
Comment: This sequence change affects codon 152 of the SCN8A mRNA. It is a 'silent' change, meaning that it does not change the encoded amino acid sequence of the SCN8A protein. This variant is not present in population databases (gnomAD no frequency). This variant has not been reported in the literature in individuals affected with SCN8A-related conditions. Algorithms developed to predict the effect of sequence changes on RNA splicing suggest that this variant may create or strengthen a splice site. In summary, the available evidence is currently insufficient to determine the role of this variant in disease. Therefore, it has been classified as a Variant of Uncertain Significance.

NM_001330260.2(SCN8A):c.456T>C (p.Ser152=)

Gene: SCN8A (sodium voltage-gated channel alpha subunit 8; plus strand). Cytogenetic location: 12q13.13.
Variant type: single nucleotide variant.
Coding change: c.456T>C on transcript NM_001330260.2 (MANE Select); coding-DNA position 456, T replaced by C.
Protein change: p.Ser152=; no amino-acid change (serine 152 retained).
Molecular consequence: synonymous variant.
Genome position (GRCh38, 1-based): chr12:51,686,428, T>C. VCF-style: chr12-51686428-T-C. GRCh37 (hg19) VCF-style: chr12-52080212-T-C.
Other names: c.456T>C, p.Ser152= (NM_001177984.3, NM_001369788.1, NM_014191.4).
Identifiers: ClinVar variation 2878361 (VCV002878361.3), dbSNP rs1941421146, ClinGen allele CA480021911.